The following is an entry in ClinVar:

NM_000152.5(GAA):c.1388_1405del (p.Arg463_Thr469delinsPro)

Gene: GAA (alpha glucosidase; plus strand). Cytogenetic location: 17q25.3.
Variant type: Deletion.
Coding change: c.1388_1405del on transcript NM_000152.5 (MANE Select); coding-DNA positions 1388 to 1405, 18 bases deleted (GGAGGGGGGTTTTCATCA).
Protein change: p.Arg463_Thr469delinsPro.
Molecular consequence: inframe indel.
Genome position (GRCh38, 1-based): chr17:80,110,006-80,110,023, GGAGGGGGGTTTTCATCA deleted. VCF-style (leftmost placement, unchanged base first): chr17-80110005-CGGAGGGGGGTTTTCATCA-C. GRCh37 (hg19) VCF-style: chr17-78083804-CGGAGGGGGGTTTTCATCA-C.
Other names: c.1388_1405del, p.Arg463_Thr469delinsPro (NM_001079803.3, NM_001079804.3).
Identifiers: ClinVar variation 999100 (VCV000999100.13), dbSNP rs2039192921, ClinGen allele CA2277813639.

ClinVar aggregate classification (germline): Pathogenic. Review status: criteria provided, single submitter (1 of 4 stars). 2 submissions from 2 submitters: Pathogenic (1). 1 of the submissions does not count toward it. Last evaluated 2023-07-14.

Conditions:
Glycogen storage disease, type II (IOPD). Also called: POMPE DISEASE, INFANTILE-ONSET; GLYCOGEN STORAGE DISEASE II, INFANTILE-ONSET; ACID ALPHA-GLUCOSIDASE DEFICIENCY, INFANTILE-ONSET; GAA DEFICIENCY, INFANTILE-ONSET; ACID MALTASE DEFICIENCY, INFANTILE-ONSET; GLYCOGENOSIS, GENERALIZED, CARDIAC FORM. Identifiers: Orphanet 365, MedGen C0017921, MONDO:0009290, OMIM 232300.

Submissions (2):

Labcorp Genetics (formerly Invitae), Labcorp
Classification: Pathogenic for Glycogen storage disease, type II. Last evaluated: 2023-07-14. Review status: criteria provided, single submitter. Criteria: Invitae Variant Classification Sherloc (09022015). Collection method: clinical testing. Allele origin: germline.
Comment: For these reasons, this variant has been classified as Pathogenic. This variant disrupts a region of the GAA protein in which other variant(s) (p.Val466Gly) have been determined to be pathogenic (PMID: 17056254, 19862843). This suggests that this is a clinically significant region of the protein, and that variants that disrupt it are likely to be disease-causing. ClinVar contains an entry for this variant (Variation ID: 999100). This variant has been observed in individual(s) with clinical features of GAA-related conditions (Invitae). This variant is not present in population databases (gnomAD no frequency). This variant, c.1388_1405del, is a complex sequence change that results in the deletion of 7 and insertion of 1 amino acid(s) in the GAA protein (p.Arg463_Thr469delinsPro).

Natera, Inc.
Classification: Uncertain significance for Glycogen storage disease type II. Last evaluated: 2021-04-04. Review status: no assertion criteria provided. Collection method: clinical testing. Allele origin: germline. Not counted in ClinVar's aggregate classification.

Literature cited by the submitters: PubMed 17056254 (cited by Labcorp Genetics (formerly Invitae), Labcorp); PubMed 19862843 (cited by Labcorp Genetics (formerly Invitae), Labcorp).